The following is an entry in ClinVar:

NM_014141.6(CNTNAP2):c.208+6C>A

Gene: CNTNAP2 (contactin associated protein 2; plus strand). Cytogenetic location: 7q35.
Variant type: single nucleotide variant.
Coding change: c.208+6C>A on transcript NM_014141.6 (MANE Select); 6 bases into the intron after coding-DNA position 208, C replaced by A.
Molecular consequence: intron variant.
Genome position (GRCh38, 1-based): chr7:146,774,387, C>A. VCF-style: chr7-146774387-C-A. GRCh37 (hg19) VCF-style: chr7-146471479-C-A.
Other names: p.?.
Identifiers: ClinVar variation 4683319 (VCV004683319.1).

ClinVar aggregate classification (germline): Likely benign (1 of 4 stars; one submission).

gnomAD v4.1: 26 of 1,595,594 alleles (0.0016%); highest among the groups gnomAD compares: Non-Finnish European, 0.0021%; no homozygotes.

Submission:

Mayo Clinic Laboratories, Mayo Clinic
Classification: Likely benign. Last evaluated: 2025-03-17. Review status: criteria provided, single submitter. Criteria: ACMG Guidelines, 2015. Collection method: clinical testing. Allele origin: germline. Observed: 1 variant allele.
Comment: BP4, BP7